The following is an entry in ClinVar:

ClinVar aggregate classification (germline): Uncertain significance (1 of 4 stars; one submission).

Allele frequency attached by ClinVar (database versions not stated): TOPMed 0.00007; ESP Exome Variant Server 0.00008; gnomAD 0.00010.
gnomAD v4.1: 23 of 1,613,170 alleles (0.0014%); highest among the groups gnomAD compares: African/African-American, 0.028%; no homozygotes.

Submission:

GeneDx
Classification: Uncertain significance. Last evaluated: 2023-12-08. Review status: criteria provided, single submitter. Criteria: GeneDx Variant Classification Process June 2021. Collection method: clinical testing. Allele origin: germline. Affected: yes.
Comment: In silico analysis supports that this missense variant has a deleterious effect on protein structure/function; Has not been previously published as pathogenic or benign to our knowledge

NM_018255.4(ELP2):c.1262A>T (p.Lys421Ile)

Gene: ELP2 (elongator acetyltransferase complex subunit 2; plus strand). Cytogenetic location: 18q12.2.
Variant type: single nucleotide variant.
Coding change: c.1262A>T on transcript NM_018255.4 (MANE Select); coding-DNA position 1262, A replaced by T.
Protein change: p.Lys421Ile; replaces lysine 421 with isoleucine.
Molecular consequence: missense variant. On other transcripts: non-coding transcript variant (4), intron variant (1).
Genome position (GRCh38, 1-based): chr18:36,154,986, A>T. VCF-style: chr18-36154986-A-T. GRCh37 (hg19) VCF-style: chr18-33734949-A-T.
Other names: c.1457A>T, p.Lys486Ile (NM_001242875.3); c.1247A>T, p.Lys416Ile (NM_001242876.3); c.1184A>T, p.Lys395Ile (NM_001242877.3); c.1052A>T, p.Lys351Ile (NM_001242878.3, NM_001242879.3); c.1130A>T, p.Lys377Ile (NM_001324465.2); c.1379A>T, p.Lys460Ile (NM_001324466.2); c.815A>T, p.Lys272Ile (NM_001324468.2); c.1126-1480A>T (NM_001324467.2); short protein forms K272I, K351I, K377I, K395I, K416I, K421I, K460I, K486I.
Identifiers: ClinVar variation 3252554 (VCV003252554.1), dbSNP rs147525600.